The following is an entry in ClinVar:

NM_000179.3(MSH6):c.3901_3911dup (p.Leu1305fs)

Gene: MSH6 (mutS homolog 6; plus strand). Cytogenetic location: 2p16.3.
Variant type: Duplication.
Coding change: c.3901_3911dup on transcript NM_000179.3 (MANE Select); coding-DNA positions 3901 to 3911, 11 bases duplicated (AATGCAGCAAG).
Protein change: p.Leu1305fs; shifts the reading frame from leucine 1305.
Molecular consequence: frameshift variant. On other transcripts: non-coding transcript variant (5), intron variant (1).
Genome position (GRCh38, 1-based): chr2:47,806,551-47,806,561, AATGCAGCAAG duplicated. VCF-style (leftmost placement, unchanged base first): chr2-47806550-T-TAATGCAGCAAG. GRCh37 (hg19) VCF-style: chr2-48033689-T-TAATGCAGCAAG.
Other names: c.3901_3911dupAATGCAGCAAG (NM_000179.2); c.3897+193_3897+203dup (NM_001406802.1); c.3604_3614dup, p.Leu1206fs (NM_001406828.1, NM_001406830.1, NM_001406819.1 and 10 more transcripts); c.2995_3005dup, p.Leu1003fs (NM_001406829.1, NM_001406823.1, NM_001281493.2 and 6 more transcripts); c.682_692dup, p.Leu232fs (NM_001406831.1); c.748_758dup, p.Leu254fs (NM_001406832.1); c.1846_1856dup, p.Leu620fs (NM_001407362.1); c.3733_3743dup, p.Leu1249fs (NM_001406826.1); and 10 more; short protein forms L1017fs, L1175fs, L1249fs, L1307fs, L783fs, L1247fs, L232fs, G1300fs.
Identifiers: ClinVar variation 4714844 (VCV004714844.2).
Genomic context (GRCh38, chr2:47,806,550, plus strand): 5'-GGAGACTATTACGTTCCTCTATAAATTCATTAAGGGAGCTTGTCCTAAAAGCTATGGCTT[T>TAATGCAGCAAG]AATGCAGCAAGGCTTGCTAATCTCCCAGAGGAAGTTATTCAAAAGGGACATAGAAAAGCA-3'

ClinVar aggregate classification (germline): Pathogenic/Likely pathogenic. Review status: criteria provided, multiple submitters, no conflicts (2 of 4 stars). 2 submissions from 2 submitters: Pathogenic (1); Likely pathogenic (1). Last evaluated 2026-06-05.

Conditions:
Hereditary cancer-predisposing syndrome. Also called: Neoplastic Syndromes, Hereditary; Tumor predisposition; Hereditary Cancer Syndrome; Hereditary neoplastic syndrome. Identifiers: Orphanet 140162, MedGen C0027672, MeSH D009386, MONDO:0015356.
Hereditary nonpolyposis colorectal neoplasms. Identifiers: MedGen C0009405, MeSH D003123.

Submissions (2):

Ambry Genetics
Classification: Likely pathogenic for Hereditary cancer-predisposing syndrome. Last evaluated: 2026-06-05. Review status: criteria provided, single submitter. Criteria: Ambry Variant Classification Scheme 2023. Collection method: clinical testing. Allele origin: germline.
Comment: The c.3901_3911dup11 variant, located in coding exon 9 of the MSH6 gene, results from a duplication of AATGCAGCAAG at nucleotide position 3901, causing a translational frameshift with a predicted alternate stop codon (p.L1305Mfs*26). This variant occurs at the 3' terminus of the gene, is not expected to trigger nonsense-mediated mRNA decay, and impacts the last 4% of the protein. However, premature stop codons are typically deleterious in nature and the impacted region is critical for protein function (Ambry internal data). This variant is considered to be rare based on population cohorts in the Genome Aggregation Database (gnomAD). Based on the majority of available evidence to date, this variant is likely to be pathogenic.

Labcorp Genetics (formerly Invitae), Labcorp
Classification: Pathogenic for Hereditary nonpolyposis colorectal neoplasms. Last evaluated: 2025-03-11. Review status: criteria provided, single submitter. Criteria: Invitae Variant Classification Sherloc (09022015). Collection method: clinical testing. Allele origin: germline.
Comment: This sequence change creates a premature translational stop signal (p.Leu1305Metfs*26) in the MSH6 gene. While this is not anticipated to result in nonsense mediated decay, it is expected to disrupt the last 56 amino acid(s) of the MSH6 protein. This variant is not present in population databases (gnomAD no frequency). This variant has not been reported in the literature in individuals affected with MSH6-related conditions. This variant disrupts a region of the MSH6 protein in which other variant(s) (p.Arg1334Serfs*7) have been determined to be pathogenic (external communication). This suggests that this is a clinically significant region of the protein, and that variants that disrupt it are likely to be disease-causing. For these reasons, this variant has been classified as Pathogenic.